The following is an entry in ClinVar:

ClinVar aggregate classification (germline): Conflicting classifications of pathogenicity. Review status: criteria provided, conflicting classifications (1 of 4 stars). 9 submissions from 9 submitters: Uncertain significance (7); Likely benign (1). 1 of the submissions does not count toward it. Last evaluated 2026-08-27.

Conditions:
SDHA-related disorder. Also called: SDHA-related disorders; SDHA-related condition.
Pheochromocytoma/paraganglioma syndrome 5. Also called: Paragangliomas 5; SDHA-Related Hereditary Paraganglioma-Pheochromocytoma Syndrome. Identifiers: Orphanet 29072, MedGen C3279992, MONDO:0013602, OMIM 614165.
Mitochondrial complex II deficiency, nuclear type 1. Also called: SUCCINATE CoQ REDUCTASE DEFICIENCY. Identifiers: Orphanet 3208, MedGen C5700310, MONDO:0100294, OMIM 252011.
Dilated cardiomyopathy 1GG (CMD1GG). Identifiers: Orphanet 154, MedGen C3150898, MONDO:0013339, OMIM 613642.
Neurodegeneration with ataxia and late-onset optic atrophy. Identifiers: MedGen C5543254, MONDO:0031006, OMIM 619259.
Hereditary cancer-predisposing syndrome. Also called: Neoplastic Syndromes, Hereditary; Hereditary neoplastic syndrome; Hereditary Cancer Syndrome; Tumor predisposition. Identifiers: Orphanet 140162, MedGen C0027672, MeSH D009386, MONDO:0015356.

Allele frequency attached by ClinVar (database versions not stated): TOPMed 0.00004; 1000 Genomes Project 0.00040; 1000 Genomes Project 30x 0.00047.
gnomAD v4.1: 53 of 1,613,880 alleles (0.0033%); highest among the groups gnomAD compares: Admixed American, 0.028%; no homozygotes.

Submissions (9):

PreventionGenetics, part of Exact Sciences
Classification: Uncertain significance for SDHA-related condition. Last evaluated: 2026-08-27. Review status: criteria provided, single submitter. Criteria: ACMG Guidelines, 2015. Collection method: clinical testing. Allele origin: germline.
Comment: The SDHA c.1273G>A variant is predicted to result in the amino acid substitution p.Val425Met. This variant was reported in several individuals with paraganglioma and pheochromocytoma (Casey et al. 2017. PubMed ID: 28546994; Rattenberry et al. 2013. PubMed ID: 23666964). This variant is reported in 0.012% of alleles in individuals of Latino descent in gnomAD and has conflicting interpretations in ClinVar ranging from uncertain to likely benign (Variation ID: 239642). At this time, the clinical significance of this variant is uncertain due to the absence of conclusive functional and genetic evidence.

Labcorp Genetics (formerly Invitae), Labcorp
Classification: Uncertain significance for Pheochromocytoma/paraganglioma syndrome 5; Mitochondrial complex II deficiency, nuclear type 1. Last evaluated: 2026-02-03. Review status: criteria provided, single submitter. Criteria: Invitae Variant Classification Sherloc (09022015). Collection method: clinical testing. Allele origin: germline.
Comment: This sequence change replaces valine, which is neutral and non-polar, with methionine, which is neutral and non-polar, at codon 425 of the SDHA protein (p.Val425Met). This variant is present in population databases (rs201822097, gnomAD 0.01%). This missense change has been observed in individual(s) with pheochromocytoma and paraganglioma (PMID: 23666964). ClinVar contains an entry for this variant (Variation ID: 239642). Invitae Evidence Modeling of protein sequence and biophysical properties (such as structural, functional, and spatial information, amino acid conservation, physicochemical variation, residue mobility, and thermodynamic stability) indicates that this missense variant is not expected to disrupt SDHA protein function with a negative predictive value of 95%. In summary, the available evidence is currently insufficient to determine the role of this variant in disease. Therefore, it has been classified as a Variant of Uncertain Significance.

GeneDx
Classification: Uncertain significance. Last evaluated: 2025-11-25. Review status: criteria provided, single submitter. Criteria: GeneDx Variant Classification Process June 2021. Collection method: clinical testing. Allele origin: germline. Affected: yes.
Comment: Not observed at significant frequency in large population cohorts (gnomAD); In silico analysis suggests that this missense variant does not alter protein structure/function; This variant is associated with the following publications: (PMID: 28500238, 23666964, 31721781, 28546994)

Quest Diagnostics Nichols Institute San Juan Capistrano
Classification: Uncertain significance. Last evaluated: 2025-02-05. Review status: criteria provided, single submitter. Criteria: Quest Diagnostics criteria. Collection method: clinical testing. Allele origin: unknown.
Comment: The SDHA c.1273G>A (p.Val425Met) variant has been reported in the published literature in individuals with pheochromocytomas and paragangliomas (PMID: 23666964 (2013), 28546994 (2017)). The frequency of this variant in the general population (Genome Aggregation Database) is uninformative in the assessment of its pathogenicity. Analysis of this variant using bioinformatics tools for the prediction of the effect of amino acid changes on protein structure and function yielded conflicting predictions that this variant is benign or damaging. Based on the available information, we are unable to determine the clinical significance of this variant.

Ambry Genetics
Classification: Likely benign for Hereditary cancer-predisposing syndrome. Last evaluated: 2025-01-10. Review status: criteria provided, single submitter. Criteria: Ambry Variant Classification Scheme 2023. Collection method: clinical testing. Allele origin: germline.

Baylor Genetics
Classification: Uncertain significance for Dilated cardiomyopathy 1GG. Last evaluated: 2024-03-21. Review status: criteria provided, single submitter. Criteria: ACMG Guidelines, 2015. Collection method: clinical testing. Allele origin: unknown.

Fulgent Genetics
Classification: Uncertain significance for Mitochondrial complex II deficiency, nuclear type 1; Dilated cardiomyopathy 1GG; Pheochromocytoma/paraganglioma syndrome 5; Neurodegeneration with ataxia and late-onset optic atrophy. Last evaluated: 2024-02-12. Review status: criteria provided, single submitter. Criteria: ACMG Guidelines, 2015. Collection method: clinical testing. Allele origin: germline.

Myriad Genetics, Inc.
Classification: Uncertain significance for Pheochromocytoma/paraganglioma syndrome 5. Last evaluated: 2023-04-21. Review status: criteria provided, single submitter. Criteria: Myriad Autosomal Dominant, Autosomal Recessive and X-Linked Classification Criteria (2023). Collection method: clinical testing. Allele origin: unknown.
Comment: This variant is classified as a variant of uncertain significance as there is insufficient evidence to determine its impact on protein function and/or cancer risk.

Counsyl
Classification: Uncertain significance for Pheochromocytoma/paraganglioma syndrome 5. Last evaluated: 2018-04-17. Review status: no assertion criteria provided. Collection method: clinical testing. Allele origin: unknown. Not counted in ClinVar's aggregate classification.

Literature cited by the submitters: PubMed 23666964 (cited by Labcorp Genetics (formerly Invitae), Labcorp and Quest Diagnostics Nichols Institute San Juan Capistrano); PubMed 29978154 (cited by Quest Diagnostics Nichols Institute San Juan Capistrano); PubMed 28546994 (cited by Quest Diagnostics Nichols Institute San Juan Capistrano).

NM_004168.4(SDHA):c.1273G>A (p.Val425Met)

Gene: SDHA (succinate dehydrogenase complex flavoprotein subunit A; plus strand). Cytogenetic location: 5p15.33.
Variant type: single nucleotide variant.
Coding change: c.1273G>A on transcript NM_004168.4 (MANE Select); coding-DNA position 1273, G replaced by A.
Protein change: p.Val425Met; replaces valine 425 with methionine.
Molecular consequence: missense variant.
Genome position (GRCh38, 1-based): chr5:236,440, G>A. VCF-style: chr5-236440-G-A. GRCh37 (hg19) VCF-style: chr5-236555-G-A.
Other names: c.1129G>A, p.Val377Met (NM_001294332.2); c.1273G>A, p.Val425Met (NM_001330758.2); short protein forms V425M, V377M.
Identifiers: ClinVar variation 239642 (VCV000239642.28), dbSNP rs201822097, ClinGen allele CA3173181.